The following is an entry in ClinVar:

NM_000083.3(CLCN1):c.2180C>T (p.Pro727Leu)

Gene: CLCN1 (chloride voltage-gated channel 1; plus strand). Cytogenetic location: 7q34.
Variant type: single nucleotide variant.
Coding change: c.2180C>T on transcript NM_000083.3 (MANE Select); coding-DNA position 2180, C replaced by T.
Protein change: p.Pro727Leu; replaces proline 727 with leucine.
Molecular consequence: missense variant. On other transcripts: non-coding transcript variant (1).
Genome position (GRCh38, 1-based): chr7:143,346,147, C>T. VCF-style: chr7-143346147-C-T. GRCh37 (hg19) VCF-style: chr7-143043240-C-T.
Other names: short protein forms P727L.
Identifiers: ClinVar variation 359119 (VCV000359119.26), dbSNP rs13438232, ClinGen allele CA4537581.
Genomic context (GRCh38, chr7:143,346,147, plus strand): 5'-AAGGCCCAGGCAGTCTCTGCTCCCAGGCTGAGACTTCTTACTCTTCCTTACAGCTTCCTC[C>T]TTCCCTTGCTCTCCACCCCTCTACTACTGCCCCTCTGTCCCCAGAAGAGCCCAATGGGCC-3'
Protein context (NP_000074.3, residues 717-737): EDLSGKSELP[Pro727Leu]SLALHPSTTA

ClinVar aggregate classification (germline): Benign/Likely benign. Review status: criteria provided, multiple submitters, no conflicts (2 of 4 stars). 12 submissions from 11 submitters: Benign (7); Likely benign (3). 2 of the submissions do not count toward it. Last evaluated 2026-02-04.

Conditions:
Congenital myotonia, autosomal dominant form (THD). Also called: Myotonia congenita autosomal dominant; THOMSEN DISEASE. Identifiers: Orphanet 614, MedGen C2936781, MONDO:0008055, OMIM 160800.
Congenital myotonia, autosomal recessive form. Also called: Becker Generalized Myotonia; myotonia congenita, autosomal recessive; BECKER DISEASE. Identifiers: Orphanet 614, MedGen C0751360, MONDO:0009715, OMIM 255700.
Batten-Turner congenital myopathy. Also called: Myotonia congenita; Congenital myotonia. Identifiers: Orphanet 206973, MedGen C0027127, MONDO:0100468, OMIM 255300.

Allele frequency attached by ClinVar (database versions not stated): 1000 Genomes Project 0.36941; 1000 Genomes Project 30x 0.37414; gnomAD exomes 0.38970 and 0.40729; TOPMed 0.39330; ExAC 0.39742; gnomAD 0.39778 and 0.39795; ESP Exome Variant Server 0.42327.
gnomAD v4.1: 648,756 of 1,595,208 alleles (41%); highest among the groups gnomAD compares: Middle Eastern, 44%; 133,584 homozygotes.

Submissions (12):

Labcorp Genetics (formerly Invitae), Labcorp
Classification: Benign for Congenital myotonia, autosomal recessive form; Congenital myotonia, autosomal dominant form. Last evaluated: 2026-02-04. Review status: criteria provided, single submitter. Criteria: Invitae Variant Classification Sherloc (09022015). Collection method: clinical testing. Allele origin: germline.

Women's Health and Genetics/Laboratory Corporation of America, LabCorp
Classification: Likely benign. Last evaluated: 2025-07-25. Review status: criteria provided, single submitter. Criteria: LabCorp Variant Classification Summary - May 2015. Collection method: clinical testing. Allele origin: germline.

Blueprint Genetics
Classification: Likely benign. Last evaluated: 2024-11-27. Review status: criteria provided, single submitter. Criteria: ACMG Guidelines, 2015. Collection method: clinical testing. Allele origin: germline.

Genome-Nilou Lab
Classification: Benign for Congenital myotonia, autosomal dominant form. Last evaluated: 2021-07-22. Review status: criteria provided, single submitter. Criteria: ACMG Guidelines, 2015. Collection method: clinical testing. Allele origin: germline. Affected: no.

Genome-Nilou Lab
Classification: Benign for Congenital myotonia, autosomal recessive form. Last evaluated: 2021-07-22. Review status: criteria provided, single submitter. Criteria: ACMG Guidelines, 2015. Collection method: clinical testing. Allele origin: germline. Affected: no.

Illumina Laboratory Services, Illumina
Classification: Benign for Myotonia congenita. Last evaluated: 2018-01-13. Review status: criteria provided, single submitter. Criteria: ICSL Variant Classification Criteria 13 December 2019. Collection method: clinical testing. Allele origin: germline.
Comment: This variant was observed in the ICSL laboratory as part of a predisposition screen in an ostensibly healthy population. It had not been previously curated by ICSL or reported in the Human Gene Mutation Database (HGMD: prior to June 1st, 2018), and was therefore a candidate for classification through an automated scoring system. Utilizing variant allele frequency, disease prevalence and penetrance estimates, and inheritance mode, an automated score was calculated to assess if this variant is too frequent to cause the disease. Based on the score and internal cut-off values, a variant classified as benign is not then subjected to further curation. The score for this variant resulted in a classification of benign for this disease.

Mayo Clinic Laboratories, Mayo Clinic
Classification: Benign. Last evaluated: 2017-07-24. Review status: criteria provided, single submitter. Criteria: ACMG Guidelines, 2015. Collection method: clinical testing. Allele origin: germline. Observed: 367 variant alleles.

GeneDx
Classification: Benign. Last evaluated: 2016-01-30. Review status: criteria provided, single submitter. Criteria: GeneDx Variant Classification (06012015). Collection method: clinical testing. Allele origin: germline. Affected: yes.
Comment: This variant is considered likely benign or benign based on one or more of the following criteria: it is a conservative change, it occurs at a poorly conserved position in the protein, it is predicted to be benign by multiple in silico algorithms, and/or has population frequency not consistent with disease.

Breakthrough Genomics
Classification: Benign. Review status: criteria provided, single submitter. Criteria: ACMG Guidelines, 2015. Collection method: not provided. Allele origin: germline. Inheritance: Autosomal recessive inheritance. Affected: yes.

Department Of Human Genetics, Institute Of Clinical And Translational Research, Biomedical Research Center, Slovak Academy Of Sciences
Classification: Likely benign for Congenital myotonia, autosomal recessive form; Congenital myotonia, autosomal dominant form. Review status: criteria provided, single submitter. Criteria: ACMG Guidelines, 2015. Collection method: research. Allele origin: germline. Inheritance: Autosomal unknown. Affected: yes. Observed: 20 variant alleles.
Comment: The c.2180C>T (p.(Pro727Leu)) variant was found in 20 Slovak patients with Myotonia congenita, in 4 and 16 of them in homozygous and heterozygous states, respectively. It is a silent variant, it is predicted to be benign by multiple in silico algorithms, and/or has a population frequency not consistent with the disease (gnomAD ExomesVersion: 4.0 frequency f = 0.408).

Diagnostic Laboratory, Department of Genetics, University Medical Center Groningen
Classification: Benign. Review status: no assertion criteria provided. Collection method: clinical testing. Allele origin: germline. Affected: yes. Study: VKGL Data-share Consensus. Not counted in ClinVar's aggregate classification.

Joint Genome Diagnostic Labs from Nijmegen and Maastricht, Radboudumc and MUMC+
Classification: Benign. Review status: no assertion criteria provided. Collection method: clinical testing. Allele origin: germline. Affected: yes. Study: VKGL Data-share Consensus. Not counted in ClinVar's aggregate classification.